The following is an entry in ClinVar:

ClinVar aggregate classification (germline): Uncertain significance (1 of 4 stars; one submission).

Conditions:
Hereditary cancer-predisposing syndrome. Also called: Tumor predisposition; Hereditary Cancer Syndrome; Hereditary neoplastic syndrome; Neoplastic Syndromes, Hereditary. Identifiers: Orphanet 140162, MedGen C0027672, MeSH D009386, MONDO:0015356.

Submission:

Ambry Genetics
Classification: Uncertain significance for Hereditary cancer-predisposing syndrome. Last evaluated: 2023-10-22. Review status: criteria provided, single submitter. Criteria: Ambry Variant Classification Scheme 2023. Collection method: clinical testing. Allele origin: germline.
Comment: The p.F1932L variant (also known as c.5796C>G), located in coding exon 38 of the ATM gene, results from a C to G substitution at nucleotide position 5796. The phenylalanine at codon 1932 is replaced by leucine, an amino acid with highly similar properties. This amino acid position is conserved. In addition, this alteration is predicted to be deleterious by in silico analysis. Since supporting evidence is limited at this time, the clinical significance of this alteration remains unclear.

NM_000051.4(ATM):c.5796C>G (p.Phe1932Leu)

Genes: ATM (ATM serine/threonine kinase; plus strand), C11orf65 (chromosome 11 open reading frame 65; minus strand). Cytogenetic location: 11q22.3.
Variant type: single nucleotide variant.
Coding change: c.5796C>G on transcript NM_000051.4 (MANE Select); coding-DNA position 5796, C replaced by G.
Protein change: p.Phe1932Leu; replaces phenylalanine 1932 with leucine.
Molecular consequence: missense variant. On other transcripts: intron variant (2).
Genome position (GRCh38, 1-based): chr11:108,310,193, C>G. VCF-style: chr11-108310193-C-G. GRCh37 (hg19) VCF-style: chr11-108180920-C-G.
Other names: c.5796C>G, p.Phe1932Leu (NM_001351834.2); c.641-1122G>C (NM_001330368.2); c.*39-1122G>C (NM_001351110.2); short protein forms F1932L.
Identifiers: ClinVar variation 3222000 (VCV003222000.1), dbSNP rs2136013275, ClinGen allele CA382548343.
Genomic context (GRCh38, chr11:108,310,193, plus strand): 5'-ATGACATTATATCTCATTTTTCTTTAGACCTTCTTCAGGAACAATTTTTAATGATGCTTT[C>G]TGGCTGGATTTAAATTATCTAGAAGTTGCCAAGGTAGCTCAGTCTTGTGCTGCTCACTTT-3'
Protein context (NP_000042.3, residues 1922-1942): PSSGTIFNDA[Phe1932Leu]WLDLNYLEVA